The following is an entry in ClinVar:

ClinVar aggregate classification (germline): Likely benign (1 of 4 stars; one submission).

Conditions:
Moyamoya disease 2 (MYMY2). Also called: MOYAMOYA DISEASE 2, SUSCEPTIBILITY TO. Identifiers: Orphanet 2573, MedGen C1846689, MONDO:0011784, OMIM 607151.

gnomAD v4.1: 43 of 1,614,232 alleles (0.0027%); highest among the groups gnomAD compares: East Asian, 0.087%; no homozygotes.

Submission:

Victorian Clinical Genetics Services, Murdoch Childrens Research Institute
Classification: Likely benign for Moyamoya disease 2. Last evaluated: 2025-01-03. Review status: criteria provided, single submitter. Criteria: ACMG Guidelines, 2015. Collection method: clinical testing. Allele origin: germline. Affected: yes.
Comment: This variant is classified as Likely benign. Evidence in support of pathogenic classification: Variant is present in gnomAD <0.01 (v4: 43 heterozygote(s), 0 homozygote(s)). Additional information: Variant is predicted to result in a missense amino acid change from glycine to aspartic acid; This variant is heterozygous; This gene is associated with both recessive and dominant susceptibility to moyamoya disease 2 (MIM#607151), where recessive inheritance has earlier onset of symptoms (PMID: 26198278); Alternative amino acid change(s) at the same position are present in gnomAD (Highest alelle count: v4: 1 heterozygote(s), 0 homozygote(s)); Previous evidence of pathogenicity for this variant is inconclusive. This variant has been identified in an individual from a moyamoya disease cohort, however it was also identified in individuals from control cohorts (PMID: 37269436, 25964206, 32686731); No published segregation evidence has been identified for this variant; No published functional evidence has been identified for this variant; No comparable missense variants have previous evidence for pathogenicity; Variant is located in the annotated P-loop NTPase superfamily domain (NCBI); Missense variant with inconclusive in silico prediction and uninformative conservation; The mechanism of disease for this gene is not clearly established. However, gain of function, loss of function and dominant negative have been reported (PMID: 26662949, 35135845, 37399508); The condition associated with this gene has incomplete penetrance. Low penetrance is well reported for the p.(Arg4810Lys) variant in this gene (PMID: 35605621); Inheritance information for this variant is not currently available in this individual.

Literature cited by the submitters: PubMed 26198278; PubMed 26662949; PubMed 25964206; PubMed 37399508; PubMed 35605621; PubMed 32686731; PubMed 37269436; PubMed 35135845.

NM_001256071.3(RNF213):c.7319G>A (p.Gly2440Asp)

Gene: RNF213 (ring finger protein 213; plus strand). Cytogenetic location: 17q25.3.
Variant type: single nucleotide variant.
Coding change: c.7319G>A on transcript NM_001256071.3 (MANE Select); coding-DNA position 7319, G replaced by A.
Protein change: p.Gly2440Asp; replaces glycine 2440 with aspartic acid.
Molecular consequence: missense variant.
Genome position (GRCh38, 1-based): chr17:80,345,654, G>A. VCF-style: chr17-80345654-G-A. GRCh37 (hg19) VCF-style: chr17-78319454-G-A.
Other names: c.7466G>A, p.Gly2489Asp (NM_001410195.1, NM_020914.5); short protein forms G2440D, G2489D.
Identifiers: ClinVar variation 4531685 (VCV004531685.1).